The following is an entry in ClinVar:

ClinVar aggregate classification (germline): Uncertain significance (1 of 4 stars; one submission).

Conditions:
Insulin-dependent diabetes mellitus secretory diarrhea syndrome (IPEX). Also called: Immunodysregulation, polyendocrinopathy, and enteropathy, X-linked; Immune dysregulation-polyendocrinopathy-enteropathy-X-linked syndrome; IMMUNODEFICIENCY, POLYENDOCRINOPATHY, AND ENTEROPATHY, X-LINKED; DIABETES MELLITUS, CONGENITAL INSULIN-DEPENDENT, WITH FATAL SECRETORY DIARRHEA; DIARRHEA, POLYENDOCRINOPATHY, FATAL INFECTION SYNDROME, X-LINKED; ENTEROPATHY, AUTOIMMUNE, WITH HEMOLYTIC ANEMIA AND POLYENDOCRINOPATHY. Identifiers: Orphanet 37042, MedGen C0342288, MONDO:0010580, OMIM 304790. Disease mechanism: loss of function.

Submission:

Labcorp Genetics (formerly Invitae), Labcorp
Classification: Uncertain significance for Insulin-dependent diabetes mellitus secretory diarrhea syndrome. Last evaluated: 2022-06-27. Review status: criteria provided, single submitter. Criteria: Invitae Variant Classification Sherloc (09022015). Collection method: clinical testing. Allele origin: germline.
Comment: In summary, the available evidence is currently insufficient to determine the role of this variant in disease. Therefore, it has been classified as a Variant of Uncertain Significance. Advanced modeling of protein sequence and biophysical properties (such as structural, functional, and spatial information, amino acid conservation, physicochemical variation, residue mobility, and thermodynamic stability) performed at Invitae indicates that this missense variant is not expected to disrupt FOXP3 protein function. This variant has not been reported in the literature in individuals affected with FOXP3-related conditions. This variant is not present in population databases (gnomAD no frequency). This sequence change replaces phenylalanine, which is neutral and non-polar, with leucine, which is neutral and non-polar, at codon 321 of the FOXP3 protein (p.Phe321Leu).

NM_014009.4(FOXP3):c.963C>G (p.Phe321Leu)

Gene: FOXP3 (forkhead box P3; minus strand). Cytogenetic location: Xp11.23.
Variant type: single nucleotide variant.
Coding change: c.963C>G on transcript NM_014009.4 (MANE Select); coding-DNA position 963, C replaced by G.
Protein change: p.Phe321Leu; replaces phenylalanine 321 with leucine.
Molecular consequence: missense variant.
Genome position (GRCh38, 1-based): chrX:49,253,921, G>C on the plus strand (C>G on the coding strand, the complement: FOXP3 is on the minus strand). VCF-style: chrX-49253921-G-C. GRCh37 (hg19) VCF-style: chrX-49110382-G-C.
Other names: c.858C>G, p.Phe286Leu (NM_001114377.2); short protein forms F286L, F321L.
Identifiers: ClinVar variation 1356067 (VCV001356067.6), dbSNP rs143869281, ClinGen allele CA412950464.